The following is an entry in ClinVar:

NM_001267550.2(TTN):c.41329+1G>T

Gene: TTN (titin; minus strand). Cytogenetic location: 2q31.2.
Variant type: single nucleotide variant.
Coding change: c.41329+1G>T on transcript NM_001267550.2 (MANE Select); the canonical splice donor site of the intron after coding-DNA position 41329, G replaced by T.
Molecular consequence: splice donor variant.
Genome position (GRCh38, 1-based): chr2:178,636,397, C>A on the plus strand (G>T on the coding strand, the complement: TTN is on the minus strand). VCF-style: chr2-178636397-C-A. GRCh37 (hg19) VCF-style: chr2-179501124-C-A.
Other names: c.14134+1G>T (NM_003319.4); c.14710+1G>T (NM_133437.4); c.14509+1G>T (NM_133432.3); c.33625+1G>T (NM_133378.4); c.36406+1G>T (NM_001256850.1).
Identifiers: ClinVar variation 951242 (VCV000951242.17), dbSNP rs796238032, ClinGen allele CA61007613.

ClinVar aggregate classification (germline): Likely pathogenic. Review status: criteria provided, single submitter (1 of 4 stars). 5 submissions from 5 submitters: Likely pathogenic (1). 4 of the submissions do not count toward it. Last evaluated 2024-10-18.

Conditions:
Dilated cardiomyopathy 1G (CMD1G). Identifiers: Orphanet 154, MedGen C1858763, MONDO:0011400, OMIM 604145.
Autosomal recessive limb-girdle muscular dystrophy type 2J (LGMDR10). Also called: Limb-girdle muscular dystrophy, type 2J; MUSCULAR DYSTROPHY, LIMB-GIRDLE, AUTOSOMAL RECESSIVE 10. Identifiers: Orphanet 140922, MedGen C1837342, MONDO:0012127, OMIM 608807.

Submissions (5):

Labcorp Genetics (formerly Invitae), Labcorp
Classification: Likely pathogenic for Dilated cardiomyopathy 1G; Autosomal recessive limb-girdle muscular dystrophy type 2J. Last evaluated: 2024-10-18. Review status: criteria provided, single submitter. Criteria: Invitae Variant Classification Sherloc (09022015). Collection method: clinical testing. Allele origin: germline.
Comment: This sequence change affects a donor splice site in intron 225 of the TTN gene. It is expected to disrupt RNA splicing and likely results in a truncated or disrupted TTN protein. This variant is not present in population databases (gnomAD no frequency). This variant has not been observed in the literature in individuals with autosomal recessive TTN-related conditions. This variant has been reported in individual(s) with dilated cardiomyopathy (PMID: 30847666, 31112426; internal data); however, the role of the variant in this condition is currently unclear. This variant is also known as c.33625+1G>T. ClinVar contains an entry for this variant (Variation ID: 951242). Algorithms developed to predict the effect of sequence changes on RNA splicing suggest that this variant may disrupt the consensus splice site. This variant is located in the I band of TTN (PMID: 25589632). Truncating variants in this region have been reported in individuals affected with autosomal recessive centronuclear myopathy (PMID: 23975875, internal data). Truncating variants in this region have also been identified in individuals affected with autosomal dominant dilated cardiomyopathy and/or cardio-related conditions (PMID: 27869827, 32964742, internal data). In summary, the currently available evidence indicates that the variant is pathogenic, but additional data are needed to prove that conclusively. Therefore, this variant has been classified as Likely Pathogenic.

Clinical Genetics, Academic Medical Center
Classification: Likely pathogenic. Review status: no assertion criteria provided. Collection method: clinical testing. Allele origin: germline. Affected: yes. Study: VKGL Data-share Consensus. Not counted in ClinVar's aggregate classification.

Diagnostic Laboratory, Department of Genetics, University Medical Center Groningen
Classification: Likely pathogenic. Review status: no assertion criteria provided. Collection method: clinical testing. Allele origin: germline. Affected: yes. Study: VKGL Data-share Consensus. Not counted in ClinVar's aggregate classification.

Genome Diagnostics Laboratory, University Medical Center Utrecht
Classification: Likely pathogenic. Review status: no assertion criteria provided. Collection method: clinical testing. Allele origin: germline. Affected: yes. Study: VKGL Data-share Consensus. Not counted in ClinVar's aggregate classification.

Joint Genome Diagnostic Labs from Nijmegen and Maastricht, Radboudumc and MUMC+
Classification: Pathogenic. Review status: no assertion criteria provided. Collection method: clinical testing. Allele origin: germline. Affected: yes. Study: VKGL Data-share Consensus. Not counted in ClinVar's aggregate classification.

Literature cited by the submitters: PubMed 30847666 (cited by Labcorp Genetics (formerly Invitae), Labcorp); PubMed 31112426 (cited by Labcorp Genetics (formerly Invitae), Labcorp); PubMed 25589632 (cited by Labcorp Genetics (formerly Invitae), Labcorp); PubMed 23975875 (cited by Labcorp Genetics (formerly Invitae), Labcorp); PubMed 27869827 (cited by Labcorp Genetics (formerly Invitae), Labcorp); PubMed 32964742 (cited by Labcorp Genetics (formerly Invitae), Labcorp).